The following is an entry in ClinVar:

NM_006231.4(POLE):c.323C>A (p.Thr108Asn)

Gene: POLE (DNA polymerase epsilon, catalytic subunit; minus strand). Cytogenetic location: 12q24.33.
Variant type: single nucleotide variant.
Coding change: c.323C>A on transcript NM_006231.4 (MANE Select); coding-DNA position 323, C replaced by A.
Protein change: p.Thr108Asn; replaces threonine 108 with asparagine.
Molecular consequence: missense variant.
Genome position (GRCh38, 1-based): chr12:132,680,185, G>T on the plus strand (C>A on the coding strand, the complement: POLE is on the minus strand). VCF-style: chr12-132680185-G-T. GRCh37 (hg19) VCF-style: chr12-133256771-G-T.
Other names: short protein forms T108N.
Identifiers: ClinVar variation 2697476 (VCV002697476.3), dbSNP rs2136029581, ClinGen allele CA387368585.

ClinVar aggregate classification (germline): Uncertain significance (1 of 4 stars; one submission).

Allele frequency attached by ClinVar (database versions not stated): gnomAD exomes below 0.00001.
gnomAD v4.1: 1 of 1,614,044 alleles (0.000062%); highest among the groups gnomAD compares: Non-Finnish European, 0.000085%; no homozygotes.

Submission:

Labcorp Genetics (formerly Invitae), Labcorp
Classification: Uncertain significance. Last evaluated: 2023-06-07. Review status: criteria provided, single submitter. Criteria: Invitae Variant Classification Sherloc (09022015). Collection method: clinical testing. Allele origin: germline.
Comment: In summary, the available evidence is currently insufficient to determine the role of this variant in disease. Therefore, it has been classified as a Variant of Uncertain Significance. Advanced modeling of protein sequence and biophysical properties (such as structural, functional, and spatial information, amino acid conservation, physicochemical variation, residue mobility, and thermodynamic stability) has been performed at Invitae for this missense variant, however the output from this modeling did not meet the statistical confidence thresholds required to predict the impact of this variant on POLE protein function. This variant has not been reported in the literature in individuals affected with POLE-related conditions. This variant is not present in population databases (gnomAD no frequency). This sequence change replaces threonine, which is neutral and polar, with asparagine, which is neutral and polar, at codon 108 of the POLE protein (p.Thr108Asn).